The following is an entry in ClinVar:

ClinVar aggregate classification (germline): Uncertain significance (1 of 4 stars; one submission).

Conditions:
Tuberous sclerosis 2 (TSC2). Identifiers: Orphanet 805, MedGen C1860707, MONDO:0013199, OMIM 613254.

Submission:

Labcorp Genetics (formerly Invitae), Labcorp
Classification: Uncertain significance for Tuberous sclerosis 2. Last evaluated: 2023-07-07. Review status: criteria provided, single submitter. Criteria: Invitae Variant Classification Sherloc (09022015). Collection method: clinical testing. Allele origin: germline.
Comment: In summary, the available evidence is currently insufficient to determine the role of this variant in disease. Therefore, it has been classified as a Variant of Uncertain Significance. Algorithms developed to predict the effect of sequence changes on RNA splicing suggest that this variant may disrupt the consensus splice site. This variant has not been reported in the literature in individuals affected with TSC2-related conditions. This variant is not present in population databases (gnomAD no frequency). This sequence change falls in intron 22 of the TSC2 gene. It does not directly change the encoded amino acid sequence of the TSC2 protein.

NM_000548.5(TSC2):c.2546-11C>T

Gene: TSC2 (TSC complex subunit 2; plus strand). Cytogenetic location: 16p13.3.
Variant type: single nucleotide variant.
Coding change: c.2546-11C>T on transcript NM_000548.5 (MANE Select); 11 bases into the intron before coding-DNA position 2546, C replaced by T.
Molecular consequence: intron variant.
Genome position (GRCh38, 1-based): chr16:2,075,788, C>T. VCF-style: chr16-2075788-C-T. GRCh37 (hg19) VCF-style: chr16-2125789-C-T.
Other names: c.1202-11C>T (NM_001406693.1, NM_001406689.1, NM_001406690.1 and 6 more transcripts); c.2636-11C>T (NM_001406667.1, NM_001406668.1); c.1946-11C>T (NM_001406680.1, NM_001406683.1, NM_001406687.1 and 6 more transcripts); c.944-11C>T (NM_001406698.1); c.2546-11C>T (NM_001114382.3, NM_001406663.1, NM_001406664.1 and 6 more transcripts); c.2534-11C>T (NM_001406671.1, NM_001406673.1); c.2084-11C>T (NM_001406681.1); c.2435-11C>T (NM_001406670.1, NM_001318827.2, NM_001406678.1); and 3 more.
Identifiers: ClinVar variation 2831603 (VCV002831603.3), dbSNP rs397515157, ClinGen allele CA2731571807.